The following is an entry in ClinVar:

ClinVar aggregate classification (germline): Uncertain significance (0 of 4 stars; one submission).

Allele frequency attached by ClinVar (database versions not stated): ExAC 0.00044; gnomAD exomes 0.00026.

Submission:

Richard Lifton Laboratory, Yale University School of Medicine
Classification: Uncertain significance. Review status: no assertion criteria provided. Collection method: not provided. Allele origin: somatic.
Comment: GBP2
ClinVar note: Converted during submission from unknown to Uncertain significance.

NM_004120.5(GBP2):c.321T>G (p.Gly107=)

Gene: GBP2 (guanylate binding protein 2; minus strand). Cytogenetic location: 1p22.2.
Variant type: single nucleotide variant.
Coding change: c.321T>G on transcript NM_004120.5 (MANE Select); coding-DNA position 321, T replaced by G.
Protein change: p.Gly107=; no amino-acid change (glycine 107 retained).
Molecular consequence: synonymous variant.
Genome position (GRCh38, 1-based): chr1:89,120,286, A>C on the plus strand (T>G on the coding strand, the complement: GBP2 is on the minus strand). VCF-style: chr1-89120286-A-C. GRCh37 (hg19) VCF-style: chr1-89585969-A-C.
Identifiers: ClinVar variation 91958 (VCV000091958.2), dbSNP rs386352304, ClinGen allele CA232242.